The following is an entry in ClinVar:

NM_000368.5(TSC1):c.3347G>C (p.Ser1116Thr)

Gene: TSC1 (TSC complex subunit 1; minus strand). Cytogenetic location: 9q34.13.
Variant type: single nucleotide variant.
Coding change: c.3347G>C on transcript NM_000368.5 (MANE Select); coding-DNA position 3347, G replaced by C.
Protein change: p.Ser1116Thr; replaces serine 1116 with threonine.
Molecular consequence: missense variant. On other transcripts: non-coding transcript variant (5).
Genome position (GRCh38, 1-based): chr9:132,896,383, C>G on the plus strand (G>C on the coding strand, the complement: TSC1 is on the minus strand). VCF-style: chr9-132896383-C-G. GRCh37 (hg19) VCF-style: chr9-135771770-C-G.
Other names: c.3344G>C, p.Ser1115Thr (NM_001162426.2, NM_001406597.1, NM_001406598.1 and 2 more transcripts); c.3194G>C, p.Ser1065Thr (NM_001162427.2, NM_001406610.1); c.2984G>C, p.Ser995Thr (NM_001362177.2, NM_001406614.1, NM_001406615.1 and 4 more transcripts); c.3347G>C, p.Ser1116Thr (NM_001406592.1, NM_001406593.1, NM_001406594.1 and 2 more transcripts); c.3305G>C, p.Ser1102Thr (NM_001406605.1, NM_001406606.1, NM_001406607.1); c.3302G>C, p.Ser1101Thr (NM_001406608.1, NM_001406609.1); c.3191G>C, p.Ser1064Thr (NM_001406611.1, NM_001406612.1); c.3149G>C, p.Ser1050Thr (NM_001406613.1); and 8 more; short protein forms S1065T, S799T, S980T, S1050T, S1102T, S1115T, S765T, S981T.
Identifiers: ClinVar variation 2706777 (VCV002706777.3), dbSNP rs764140399, ClinGen allele CA375366563.
Genomic context (GRCh38, chr9:132,896,383, plus strand): 5'-TCTAGGTTCAGGGGAATCTTGGCTTCCACACCCAAGTCTTTGCCCAGTTCTGTCTTTAGG[C>G]TCTCAGAAAGGCTACTGGTCATGCCGTCCTCATCACACTGGCTCTCGCTCTTATTACGAA-3'
Protein context (NP_000359.1, residues 1106-1126): EDGMTSSLSE[Ser1116Thr]LKTELGKDLG

ClinVar aggregate classification (germline): Uncertain significance (1 of 4 stars; one submission).

Conditions:
Tuberous sclerosis 1 (TSC1). Identifiers: Orphanet 805, MedGen C1854465, MONDO:0008612, OMIM 191100.

Submission:

Labcorp Genetics (formerly Invitae), Labcorp
Classification: Uncertain significance for Tuberous sclerosis 1. Last evaluated: 2023-12-31. Review status: criteria provided, single submitter. Criteria: Invitae Variant Classification Sherloc (09022015). Collection method: clinical testing. Allele origin: germline.
Comment: This sequence change replaces serine, which is neutral and polar, with threonine, which is neutral and polar, at codon 1116 of the TSC1 protein (p.Ser1116Thr). This variant is not present in population databases (gnomAD no frequency). This variant has not been reported in the literature in individuals affected with TSC1-related conditions. Advanced modeling of protein sequence and biophysical properties (such as structural, functional, and spatial information, amino acid conservation, physicochemical variation, residue mobility, and thermodynamic stability) performed at Invitae indicates that this missense variant is not expected to disrupt TSC1 protein function with a negative predictive value of 95%. In summary, the available evidence is currently insufficient to determine the role of this variant in disease. Therefore, it has been classified as a Variant of Uncertain Significance.